The following is an entry in ClinVar:

NC_000018.9:g.(?_43503214)_(43505888_?)del

Gene: EPG5 (ectopic P-granules 5 autophagy tethering factor; minus strand). Cytogenetic location: 18q21.1.
Variant type: Deletion.
Identifiers: ClinVar variation 1438900 (VCV001438900.8).

ClinVar aggregate classification (germline): Uncertain significance (1 of 4 stars; one submission).

Conditions:
Vici syndrome (VICIS). Identifiers: Orphanet 1493, MedGen C1855772, MONDO:0009452, OMIM 242840.

Submission:

Labcorp Genetics (formerly Invitae), Labcorp
Classification: Uncertain significance for Vici syndrome. Last evaluated: 2021-12-02. Review status: criteria provided, single submitter. Criteria: Invitae Variant Classification Sherloc (09022015). Collection method: clinical testing. Allele origin: germline.
Comment: In summary, the available evidence is currently insufficient to determine the role of this variant in disease. Therefore, it has been classified as a Variant of Uncertain Significance. Experimental studies and prediction algorithms are not available or were not evaluated, and the functional significance of this variant is currently unknown. This variant has not been reported in the literature in individuals affected with EPG5-related conditions. This variant is a gross deletion of the genomic region encompassing exon(s) 14-15 of the EPG5 gene. This variant would be expected to be in-frame, preserving the integrity of the reading frame.